The following is an entry in ClinVar:

NM_001040202.2(PAQR3):c.107T>C (p.Ile36Thr)

Gene: PAQR3 (progestin and adipoQ receptor family member 3; minus strand). Cytogenetic location: 4q21.21.
Variant type: single nucleotide variant.
Coding change: c.107T>C on transcript NM_001040202.2 (MANE Select); coding-DNA position 107, T replaced by C.
Protein change: p.Ile36Thr; replaces isoleucine 36 with threonine.
Molecular consequence: missense variant. On other transcripts: 5 prime UTR variant (2), non-coding transcript variant (4).
Genome position (GRCh38, 1-based): chr4:78,939,118, A>G on the plus strand (T>C on the coding strand, the complement: PAQR3 is on the minus strand). VCF-style: chr4-78939118-A-G. GRCh37 (hg19) VCF-style: chr4-79860272-A-G.
Other names: c.-141T>C (NM_001350105.2); c.-322T>C (NM_001350106.2); short protein forms I36T.
Identifiers: ClinVar variation 5026272 (VCV005026272.1).

ClinVar aggregate classification (germline): Uncertain significance (1 of 4 stars; one submission).

gnomAD v4.1: 1 of 1,613,646 alleles (0.000062%); highest among the groups gnomAD compares: Non-Finnish European, 0.000085%; no homozygotes.

Submission:

Ambry Genetics
Classification: Uncertain significance. Last evaluated: 2026-09-02. Review status: criteria provided, single submitter. Criteria: Ambry Variant Classification Scheme 2023. Collection method: clinical testing. Allele origin: germline.
Comment: The c.107T>C (p.I36T) alteration is located in exon 1 (coding exon 1) of the PAQR3 gene. This alteration results from a T to C substitution at nucleotide position 107, causing the isoleucine (I) at amino acid position 36 to be replaced by a threonine (T). Based on data from gnomAD, the C allele has an overall frequency of <0.001% (1/251182) total alleles studied. The highest observed frequency was 0.001% (1/113686) of European (non-Finnish) alleles. Based on insufficient or conflicting evidence, the clinical significance of this alteration remains unclear.